The following is an entry in ClinVar:

ClinVar aggregate classification (germline): Pathogenic. Review status: criteria provided, multiple submitters, no conflicts (2 of 4 stars). 2 submissions from 2 submitters: Pathogenic (2). Last evaluated 2024-10-25.

Conditions:
Hereditary spastic paraplegia 7 (SPG7). Also called: Spastic paraplegia 7; Hereditary spastic paraplegia Paraplegin type; SPASTIC PARAPLEGIA 7, AUTOSOMAL RECESSIVE, WITH OR WITHOUT CEREBELLAR ATAXIA; Autosomal recessive spastic paraplegia type 7; SPG7-related neurologic disorder. Identifiers: Orphanet 99013, MedGen C1846564, MONDO:0011803, OMIM 607259.

Submissions (2):

Labcorp Genetics (formerly Invitae), Labcorp
Classification: Pathogenic for Hereditary spastic paraplegia 7. Last evaluated: 2024-10-25. Review status: criteria provided, single submitter. Criteria: Invitae Variant Classification Sherloc (09022015). Collection method: clinical testing. Allele origin: germline.
Comment: This sequence change creates a premature translational stop signal (p.Lys238Argfs*23) in the SPG7 gene. It is expected to result in an absent or disrupted protein product. Loss-of-function variants in SPG7 are known to be pathogenic (PMID: 21623769, 22964162). This variant is not present in population databases (gnomAD no frequency). This variant has not been reported in the literature in individuals affected with SPG7-related conditions. ClinVar contains an entry for this variant (Variation ID: 1323644). For these reasons, this variant has been classified as Pathogenic.

Revvity Omics, Revvity
Classification: Pathogenic for Hereditary spastic paraplegia 7. Last evaluated: 2019-07-25. Review status: criteria provided, single submitter. Criteria: ACMG Guidelines, 2015. Collection method: clinical testing. Allele origin: germline.

Literature cited by the submitters: PubMed 21623769 (cited by Labcorp Genetics (formerly Invitae), Labcorp); PubMed 22964162 (cited by Labcorp Genetics (formerly Invitae), Labcorp).

NM_003119.4(SPG7):c.711del (p.Lys238fs)

Gene: SPG7 (SPG7 matrix AAA peptidase subunit, paraplegin; plus strand). Cytogenetic location: 16q24.3.
Variant type: Deletion.
Coding change: c.711del on transcript NM_003119.4 (MANE Select); coding-DNA position 711, one base deleted (C; older notation c.711delC).
Protein change: p.Lys238fs; shifts the reading frame from lysine 238.
Molecular consequence: frameshift variant.
Genome position (GRCh38, 1-based): chr16:89,526,421, C deleted; the last of 2 consecutive C bases (chr16:89,526,420-89,526,421); deleting either gives the same sequence. VCF-style (leftmost placement, unchanged base first): chr16-89526419-GC-G. GRCh37 (hg19) VCF-style: chr16-89592827-GC-G.
Other names: c.711del, p.Lys238fs (NM_001363850.1, NM_199367.3); short protein forms K238fs.
Identifiers: ClinVar variation 1323644 (VCV001323644.8), dbSNP rs2152400490, ClinGen allele CA2573054304.